The following is an entry in ClinVar:

NM_000709.4(BCKDHA):c.34C>A (p.Arg12=)

Gene: BCKDHA (branched chain keto acid dehydrogenase E1 subunit alpha; plus strand). Cytogenetic location: 19q13.2.
Variant type: single nucleotide variant.
Coding change: c.34C>A on transcript NM_000709.4 (MANE Select); coding-DNA position 34, C replaced by A.
Protein change: p.Arg12=; no amino-acid change (arginine 12 retained).
Molecular consequence: synonymous variant.
Genome position (GRCh38, 1-based): chr19:41,397,861, C>A. VCF-style: chr19-41397861-C-A. GRCh37 (hg19) VCF-style: chr19-41903766-C-A.
Other names: p.R12R:CGG>AGG; p.Arg12=; c.34C>A, p.Arg12= (NM_001164783.2).
Identifiers: ClinVar variation 93355 (VCV000093355.37), dbSNP rs34541442, ClinGen allele CA285348.

ClinVar aggregate classification (germline): Benign/Likely benign. Review status: criteria provided, multiple submitters, no conflicts (2 of 4 stars). 11 submissions from 11 submitters: Benign (8); Likely benign (1). 2 of the submissions do not count toward it. Last evaluated 2026-06-01.

Conditions:
Maple syrup urine disease type 1A (MSUD1A). Also called: MSUD type 1A. Identifiers: MedGen C1855369, MONDO:0023691, OMIM 248600.
Maple syrup urine disease (MSUD). Identifiers: Orphanet 511, MedGen C0024776, MeSH D008375, MONDO:0009563. Disease mechanism: loss of function.

Allele frequency attached by ClinVar (database versions not stated): 1000 Genomes Project 30x 0.00390; 1000 Genomes Project 0.00459; TOPMed 0.00875; gnomAD 0.00885 and 0.00893; gnomAD exomes 0.01020; ESP Exome Variant Server 0.01046; ExAC 0.01080.
gnomAD v4.1: 19,818 of 1,614,172 alleles (1.2%); highest among the groups gnomAD compares: Middle Eastern, 1.8%; 165 homozygotes.

Submissions (11):

CeGaT Center for Human Genetics Tuebingen
Classification: Benign. Last evaluated: 2026-06-01. Review status: criteria provided, single submitter. Criteria: CeGaT Center For Human Genetics Tuebingen Variant Classification Criteria Version 2. Collection method: clinical testing. Allele origin: germline. Affected: yes. Observed: 4 variant alleles.
Comment: BCKDHA: BP4, BP7, BS1, BS2

Labcorp Genetics (formerly Invitae), Labcorp
Classification: Benign for Maple syrup urine disease. Last evaluated: 2026-02-02. Review status: criteria provided, single submitter. Criteria: Invitae Variant Classification Sherloc (09022015). Collection method: clinical testing. Allele origin: germline.

Mayo Clinic Laboratories, Mayo Clinic
Classification: Benign. Last evaluated: 2024-10-17. Review status: criteria provided, single submitter. Criteria: ACMG Guidelines, 2015. Collection method: clinical testing. Allele origin: germline. Observed: 1 variant allele.
Comment: BA1, BS2, BP4, BP7

Fulgent Genetics
Classification: Likely benign for Maple syrup urine disease type 1A. Last evaluated: 2021-11-16. Review status: criteria provided, single submitter. Criteria: ACMG Guidelines, 2015. Collection method: clinical testing. Allele origin: unknown.

Illumina Laboratory Services, Illumina
Classification: Benign for Maple syrup urine disease type 1A. Last evaluated: 2018-01-13. Review status: criteria provided, single submitter. Criteria: ICSL Variant Classification Criteria 13 December 2019. Collection method: clinical testing. Allele origin: germline.
Comment: This variant was observed in the ICSL laboratory as part of a predisposition screen in an ostensibly healthy population. It had not been previously curated by ICSL or reported in the Human Gene Mutation Database (HGMD: prior to June 1st, 2018), and was therefore a candidate for classification through an automated scoring system. Utilizing variant allele frequency, disease prevalence and penetrance estimates, and inheritance mode, an automated score was calculated to assess if this variant is too frequent to cause the disease. Based on the score and internal cut-off values, a variant classified as benign is not then subjected to further curation. The score for this variant resulted in a classification of benign for this disease.

GeneDx
Classification: Benign. Last evaluated: 2014-03-31. Review status: criteria provided, single submitter. Criteria: GeneDx Variant Classification (06012015). Collection method: clinical testing. Allele origin: germline. Affected: yes.
Comment: This variant is considered likely benign or benign based on one or more of the following criteria: it is a conservative change, it occurs at a poorly conserved position in the protein, it is predicted to be benign by multiple in silico algorithms, and/or has population frequency not consistent with disease.

Eurofins Ntd Llc (ga)
Classification: Benign. Last evaluated: 2013-09-06. Review status: criteria provided, single submitter. Criteria: EGL Classification Definitions 2015. Collection method: clinical testing. Allele origin: germline. Observed: 1 variant allele, 1 heterozygote.

Breakthrough Genomics
Classification: Benign. Review status: criteria provided, single submitter. Criteria: ACMG Guidelines, 2015. Collection method: not provided. Allele origin: germline. Inheritance: Autosomal recessive inheritance. Affected: yes.

PreventionGenetics, part of Exact Sciences
Classification: Benign. Review status: criteria provided, single submitter. Criteria: ACMG Guidelines, 2015. Collection method: clinical testing. Allele origin: germline.

Natera, Inc.
Classification: Benign for Maple syrup urine disease type 1A. Last evaluated: 2020-09-16. Review status: no assertion criteria provided. Collection method: clinical testing. Allele origin: germline. Not counted in ClinVar's aggregate classification.

Genetic Services Laboratory, University of Chicago
Classification: Likely benign for AllHighlyPenetrant. Review status: no assertion criteria provided. Collection method: clinical testing. Allele origin: germline. Inheritance: Autosomal recessive inheritance. Not counted in ClinVar's aggregate classification.
Comment: Likely benign based on allele frequency in 1000 Genomes Project or ESP global frequency and its presence in a patient with a rare or unrelated disease phenotype. NOT Sanger confirmed.

Literature cited by the submitters: PubMed 17922217 (cited by Mayo Clinic Laboratories, Mayo Clinic).